The following is an entry in ClinVar:

NM_014494.4(TNRC6A):c.5374del (p.Ile1792fs)

Gene: TNRC6A (trinucleotide repeat containing adaptor 6A; plus strand). Cytogenetic location: 16p12.1.
Variant type: Deletion.
Coding change: c.5374del on transcript NM_014494.4 (MANE Select); coding-DNA position 5374, one base deleted (A; older notation c.5374delA).
Protein change: p.Ile1792fs; shifts the reading frame from isoleucine 1792.
Molecular consequence: frameshift variant.
Genome position (GRCh38, 1-based): chr16:24,822,874, A deleted. VCF-style (leftmost placement, unchanged base first): chr16-24822873-GA-G. GRCh37 (hg19) VCF-style: chr16-24834194-GA-G.
Other names: c.5227del, p.Ile1743fs (NM_001330520.3); c.5254del, p.Ile1752fs (NM_001351850.2); short protein forms I1743fs, I1752fs, I1792fs.
Identifiers: ClinVar variation 4534885 (VCV004534885.6).

ClinVar aggregate classification (germline): Uncertain significance (1 of 4 stars; one submission).

Submission:

CeGaT Center for Human Genetics Tuebingen
Classification: Uncertain significance. Last evaluated: 2025-10-01. Review status: criteria provided, single submitter. Criteria: CeGaT Center For Human Genetics Tuebingen Variant Classification Criteria Version 2. Collection method: clinical testing. Allele origin: germline. Affected: yes. Observed: 1 variant allele.
Comment: TNRC6A: PM2